The following is an entry in ClinVar:

ClinVar aggregate classification (germline): Uncertain significance (1 of 4 stars; one submission).

Conditions:
Long QT syndrome (LQTS). Identifiers: MedGen C0023976, MeSH D008133, MONDO:0002442. Disease mechanism: loss of function. Inheritance: Various modes of inheritance.

Submission:

Labcorp Genetics (formerly Invitae), Labcorp
Classification: Uncertain significance for Long QT syndrome. Last evaluated: 2019-02-26. Review status: criteria provided, single submitter. Criteria: Invitae Variant Classification Sherloc (09022015). Collection method: clinical testing. Allele origin: germline.
Comment: Algorithms developed to predict the effect of missense changes on protein structure and function are either unavailable or do not agree on the potential impact of this missense change (SIFT: "Tolerated"; PolyPhen-2: "Possibly Damaging"; Align-GVGD: "Class C0"). In summary, the available evidence is currently insufficient to determine the role of this variant in disease. Therefore, it has been classified as a Variant of Uncertain Significance. This variant has not been reported in the literature in individuals with AKAP9-related conditions. This variant is not present in population databases (ExAC no frequency). This sequence change replaces glutamine with arginine at codon 1435 of the AKAP9 protein (p.Gln1435Arg). The glutamine residue is moderately conserved and there is a small physicochemical difference between glutamine and arginine.

NM_005751.5(AKAP9):c.4304A>G (p.Gln1435Arg)

Gene: AKAP9 (A-kinase anchoring protein 9; plus strand). Cytogenetic location: 7q21.2.
Variant type: single nucleotide variant.
Coding change: c.4304A>G on transcript NM_005751.5 (MANE Select); coding-DNA position 4304, A replaced by G.
Protein change: p.Gln1435Arg; replaces glutamine 1435 with arginine.
Molecular consequence: missense variant.
Genome position (GRCh38, 1-based): chr7:92,031,570, A>G. VCF-style: chr7-92031570-A-G. GRCh37 (hg19) VCF-style: chr7-91660884-A-G.
Other names: c.4304A>G, p.Gln1435Arg (NM_147185.3); short protein forms Q1435R.
Identifiers: ClinVar variation 656880 (VCV000656880.10), dbSNP rs1584230123, ClinGen allele CA368128444.
Genomic context (GRCh38, chr7:92,031,570, plus strand): 5'-AGTTTTCTGGTGAATTTGGAGTGAAAGAGGAAACAAATATCGTTAAGTTGCTTGAAAAAC[A>G]ATACCAAGAACAATTAGAAGAAGAAGTAGCTAAGGTAGGCTTATAGCTTATCTGGAAGAT-3'
Protein context (NP_005742.4, residues 1425-1445): ETNIVKLLEK[Gln1435Arg]YQEQLEEEVA